The following is an entry in ClinVar:

NM_130837.3(OPA1):c.1367G>C (p.Gly456Ala)

Gene: OPA1 (OPA1 mitochondrial dynamin like GTPase; plus strand). Cytogenetic location: 3q29.
Variant type: single nucleotide variant.
Coding change: c.1367G>C on transcript NM_130837.3 (MANE Select); coding-DNA position 1367, G replaced by C.
Protein change: p.Gly456Ala; replaces glycine 456 with alanine.
Molecular consequence: missense variant.
Genome position (GRCh38, 1-based): chr3:193,643,434, G>C. VCF-style: chr3-193643434-G-C. GRCh37 (hg19) VCF-style: chr3-193361223-G-C.
Other names: c.833G>C, p.Gly278Ala (NM_001354663.2); c.830G>C, p.Gly277Ala (NM_001354664.2); c.1202G>C, p.Gly401Ala (NM_015560.3); c.1094G>C, p.Gly365Ala (NM_130831.3); c.1148G>C, p.Gly383Ala (NM_130832.3); c.1205G>C, p.Gly402Ala (NM_130833.3); c.1256G>C, p.Gly419Ala (NM_130834.3); c.1259G>C, p.Gly420Ala (NM_130835.3); and 1 more; short protein forms G438A, G456A, G365A, G401A, G419A, G277A, G278A, G420A.
Identifiers: ClinVar variation 4740900 (VCV004740900.1).

ClinVar aggregate classification (germline): Uncertain significance (1 of 4 stars; one submission).

Submission:

Labcorp Genetics (formerly Invitae), Labcorp
Classification: Uncertain significance. Last evaluated: 2025-09-06. Review status: criteria provided, single submitter. Criteria: Invitae Variant Classification Sherloc (09022015). Collection method: clinical testing. Allele origin: germline.
Comment: This sequence change replaces glycine, which is neutral and non-polar, with alanine, which is neutral and non-polar, at codon 401 of the OPA1 protein (p.Gly401Ala). This variant is not present in population databases (gnomAD no frequency). This variant has not been reported in the literature in individuals affected with OPA1-related conditions. Invitae Evidence Modeling of protein sequence and biophysical properties (such as structural, functional, and spatial information, amino acid conservation, physicochemical variation, residue mobility, and thermodynamic stability) indicates that this missense variant is expected to disrupt OPA1 protein function with a positive predictive value of 80%. This variant disrupts the p.Gly401 amino acid residue in OPA1. Other variant(s) that disrupt this residue have been determined to be pathogenic (PMID: 17029191, 36071901). This suggests that this residue is clinically significant, and that variants that disrupt this residue are likely to be disease-causing. In summary, the available evidence is currently insufficient to determine the role of this variant in disease. Therefore, it has been classified as a Variant of Uncertain Significance.

Literature cited by the submitters: PubMed 17029191; PubMed 36071901.